The following is an entry in ClinVar:

NM_000282.4(PCCA):c.556A>T (p.Lys186Ter)

Gene: PCCA (propionyl-CoA carboxylase subunit alpha; plus strand). Cytogenetic location: 13q32.3.
Variant type: single nucleotide variant.
Coding change: c.556A>T on transcript NM_000282.4 (MANE Select); coding-DNA position 556, A replaced by T.
Protein change: p.Lys186Ter; replaces lysine 186 with a stop codon.
Molecular consequence: nonsense. On other transcripts: 5 prime UTR variant (3), non-coding transcript variant (5).
Genome position (GRCh38, 1-based): chr13:100,209,419, A>T. VCF-style: chr13-100209419-A-T. GRCh37 (hg19) VCF-style: chr13-100861673-A-T.
Other names: c.478A>T, p.Lys160Ter (NM_001127692.3, NM_001352607.2, NM_001352608.2); c.556A>T, p.Lys186Ter (NM_001178004.2, NM_001352605.2, NM_001352606.2 and 1 more transcripts); c.-311A>T (NM_001352610.2, NM_001352611.2, NM_001352612.2); short protein forms K160*, K186*.
Identifiers: ClinVar variation 853682 (VCV000853682.8), dbSNP rs2059069232, ClinGen allele CA388693440.

ClinVar aggregate classification (germline): Pathogenic (1 of 4 stars; one submission).

Conditions:
Propionic acidemia (PROP). Also called: GLYCINEMIA, KETOTIC; HYPERGLYCINEMIA WITH KETOACIDOSIS AND LEUKOPENIA; KETOTIC HYPERGLYCINEMIA. Identifiers: Orphanet 35, MedGen C0268579, MONDO:0011628, OMIM 606054, HP:0003571.

Submission:

Labcorp Genetics (formerly Invitae), Labcorp
Classification: Pathogenic for Propionic acidemia. Last evaluated: 2019-12-30. Review status: criteria provided, single submitter. Criteria: Invitae Variant Classification Sherloc (09022015). Collection method: clinical testing. Allele origin: germline.
Comment: For these reasons, this variant has been classified as Pathogenic. Loss-of-function variants in PCCA are known to be pathogenic (PMID: 15464417). This sequence change creates a premature translational stop signal (p.Lys186*) in the PCCA gene. It is expected to result in an absent or disrupted protein product. This variant is not present in population databases (ExAC no frequency). This variant has not been reported in the literature in individuals with PCCA-related conditions. Algorithms developed to predict the effect of sequence changes on RNA splicing suggest that this variant may create or strengthen a splice site, but this prediction has not been confirmed by published transcriptional studies.

Literature cited by the submitters: PubMed 15464417.